The following is an entry in ClinVar:

NM_152743.4(BRAT1):c.1636G>A (p.Val546Met)

Gene: BRAT1 (BRCA1 associated ATM activator 1; minus strand). Cytogenetic location: 7p22.3.
Variant type: single nucleotide variant.
Coding change: c.1636G>A on transcript NM_152743.4 (MANE Select); coding-DNA position 1636, G replaced by A.
Protein change: p.Val546Met; replaces valine 546 with methionine.
Molecular consequence: missense variant. On other transcripts: non-coding transcript variant (1).
Genome position (GRCh38, 1-based): chr7:2,539,313, C>T on the plus strand (G>A on the coding strand, the complement: BRAT1 is on the minus strand). VCF-style: chr7-2539313-C-T. GRCh37 (hg19) VCF-style: chr7-2578947-C-T.
Other names: c.1636G>A, p.Val546Met (NM_001350626.2); c.1111G>A, p.Val371Met (NM_001350627.2); short protein forms V371M, V546M.
Identifiers: ClinVar variation 933786 (VCV000933786.9), dbSNP rs34656552, ClinGen allele CA4127643.

ClinVar aggregate classification (germline): Uncertain significance. Review status: criteria provided, multiple submitters, no conflicts (2 of 4 stars). 3 submissions from 3 submitters: Uncertain significance (3). Last evaluated 2025-05-02.

Conditions:
Inborn genetic diseases. Identifiers: MedGen C0950123, MeSH D030342.
Neonatal-onset encephalopathy with rigidity and seizures. Also called: Lethal neonatal spasticity-epileptic encephalopathy syndrome. Identifiers: Orphanet 435845, MedGen C3281029, MONDO:0013784, OMIM 614498.

gnomAD v4.1: 5 of 1,611,718 alleles (0.00031%); highest among the groups gnomAD compares: East Asian, 0.011%; no homozygotes.

Submissions (3):

GeneDx
Classification: Uncertain significance. Last evaluated: 2025-05-02. Review status: criteria provided, single submitter. Criteria: GeneDx Variant Classification Process June 2021. Collection method: clinical testing. Allele origin: germline. Affected: yes.
Comment: In silico analysis suggests that this missense variant does not alter protein structure/function; Has not been previously published as pathogenic or benign to our knowledge

Ambry Genetics
Classification: Uncertain significance for Inborn genetic diseases. Last evaluated: 2024-06-22. Review status: criteria provided, single submitter. Criteria: Ambry Variant Classification Scheme 2023. Collection method: clinical testing. Allele origin: germline.

Labcorp Genetics (formerly Invitae), Labcorp
Classification: Uncertain significance for Neonatal-onset encephalopathy with rigidity and seizures. Last evaluated: 2022-12-02. Review status: criteria provided, single submitter. Criteria: Invitae Variant Classification Sherloc (09022015). Collection method: clinical testing. Allele origin: germline.
Comment: In summary, the available evidence is currently insufficient to determine the role of this variant in disease. Therefore, it has been classified as a Variant of Uncertain Significance. Advanced modeling of protein sequence and biophysical properties (such as structural, functional, and spatial information, amino acid conservation, physicochemical variation, residue mobility, and thermodynamic stability) performed at Invitae indicates that this missense variant is not expected to disrupt BRAT1 protein function. ClinVar contains an entry for this variant (Variation ID: 933786). This variant has not been reported in the literature in individuals affected with BRAT1-related conditions. This variant is present in population databases (rs34656552, gnomAD 0.03%). This sequence change replaces valine, which is neutral and non-polar, with methionine, which is neutral and non-polar, at codon 546 of the BRAT1 protein (p.Val546Met).